The following is an entry in ClinVar:

ClinVar aggregate classification (germline): Uncertain significance (1 of 4 stars; one submission).

gnomAD v4.1: 17 of 1,550,092 alleles (0.0011%); highest among the groups gnomAD compares: South Asian, 0.0036%; no homozygotes.

Submission:

Labcorp Genetics (formerly Invitae), Labcorp
Classification: Uncertain significance. Last evaluated: 2025-06-24. Review status: criteria provided, single submitter. Criteria: Invitae Variant Classification Sherloc (09022015). Collection method: clinical testing. Allele origin: germline.
Comment: This sequence change replaces threonine, which is neutral and polar, with isoleucine, which is neutral and non-polar, at codon 1280 of the ZNF469 protein (p.Thr1280Ile). This variant is present in population databases (no rsID available, gnomAD 0.004%). This variant has not been reported in the literature in individuals affected with ZNF469-related conditions. An algorithm developed to predict the effect of missense changes on protein structure and function outputs the following: PolyPhen-2: "Benign". The isoleucine amino acid residue is found in multiple mammalian species, which suggests that this missense change does not adversely affect protein function. In summary, the available evidence is currently insufficient to determine the role of this variant in disease. Therefore, it has been classified as a Variant of Uncertain Significance.

NM_001367624.2(ZNF469):c.3923C>T (p.Thr1308Ile)

Gene: ZNF469 (zinc finger protein 469; plus strand). Cytogenetic location: 16q24.2.
Variant type: single nucleotide variant.
Coding change: c.3923C>T on transcript NM_001367624.2 (MANE Select); coding-DNA position 3923, C replaced by T.
Protein change: p.Thr1308Ile; replaces threonine 1308 with isoleucine.
Molecular consequence: missense variant.
Genome position (GRCh38, 1-based): chr16:88,431,393, C>T. VCF-style: chr16-88431393-C-T. GRCh37 (hg19) VCF-style: chr16-88497801-C-T.
Other names: short protein forms T1308I.
Identifiers: ClinVar variation 4807954 (VCV004807954.1).